The following is an entry in ClinVar:

NM_001164508.2(NEB):c.22429G>A (p.Gly7477Ser)

Genes: NEB (nebulin; minus strand), RIF1 (replication timing regulatory factor 1; plus strand). Cytogenetic location: 2q23.3.
Variant type: single nucleotide variant.
Coding change: c.22429G>A on transcript NM_001164508.2 (MANE Select); coding-DNA position 22429, G replaced by A.
Protein change: p.Gly7477Ser; replaces glycine 7477 with serine.
Molecular consequence: missense variant.
Genome position (GRCh38, 1-based): chr2:151,524,361, C>T on the plus strand (G>A on the coding strand, the complement: NEB is on the minus strand). VCF-style: chr2-151524361-C-T. GRCh37 (hg19) VCF-style: chr2-152380875-C-T.
Other names: c.22429G>A, p.Gly7477Ser (NM_001164507.2); c.22534G>A, p.Gly7512Ser (NM_001271208.2); c.17326G>A, p.Gly5776Ser (NM_004543.5); short protein forms G7512S, G5776S, G7477S.
Identifiers: ClinVar variation 288374 (VCV000288374.13), dbSNP rs764674361, ClinGen allele CA10606067.

ClinVar aggregate classification (germline): Conflicting classifications of pathogenicity. Review status: criteria provided, conflicting classifications (1 of 4 stars). 5 submissions from 5 submitters: Uncertain significance (4); Likely benign (1). Last evaluated 2024-05-02.

Conditions:
Nemaline myopathy 2 (NEM2). Also called: Nemaline myopathy 2, autosomal recessive. Identifiers: MedGen C1850569, MONDO:0009725, OMIM 256030.
Arthrogryposis multiplex congenita 6. Identifiers: MedGen C5543431, MONDO:0030281, OMIM 619334.

Allele frequency attached by ClinVar (database versions not stated): gnomAD exomes 0.00001; gnomAD 0.00003; TOPMed 0.00006; 1000 Genomes Project 30x 0.00016.
gnomAD v4.1: 18 of 1,613,926 alleles (0.0011%); highest among the groups gnomAD compares: Middle Eastern, 0.05%; no homozygotes.

Submissions (5):

Labcorp Genetics (formerly Invitae), Labcorp
Classification: Likely benign for Nemaline myopathy 2. Last evaluated: 2024-05-02. Review status: criteria provided, single submitter. Criteria: Invitae Variant Classification Sherloc (09022015). Collection method: clinical testing. Allele origin: germline.

GeneDx
Classification: Uncertain significance. Last evaluated: 2023-07-21. Review status: criteria provided, single submitter. Criteria: GeneDx Variant Classification Process June 2021. Collection method: clinical testing. Allele origin: germline. Affected: yes.
Comment: In silico analysis supports that this missense variant has a deleterious effect on protein structure/function; Has not been previously published as pathogenic or benign to our knowledge

Department of Pathology and Laboratory Medicine, Sinai Health System
Classification: Uncertain significance for Nemaline myopathy 2; Arthrogryposis multiplex congenita 6. Last evaluated: 2020-06-09. Review status: criteria provided, single submitter. Criteria: ACMG Guidelines, 2015. Collection method: research. Allele origin: germline.

Mayo Clinic Laboratories, Mayo Clinic
Classification: Uncertain significance for Nemaline myopathy 2. Last evaluated: 2017-03-10. Review status: criteria provided, single submitter. Criteria: ACMG Guidelines, 2015. Collection method: clinical testing. Allele origin: paternal.

Eurofins Ntd Llc (ga)
Classification: Uncertain significance. Last evaluated: 2016-06-23. Review status: criteria provided, single submitter. Criteria: EGL Classification Definitions 2015. Collection method: clinical testing. Allele origin: germline. Observed: 1 variant allele, 1 heterozygote.